The following is an entry in ClinVar:

ClinVar aggregate classification (germline): Uncertain significance. Review status: criteria provided, multiple submitters, no conflicts (2 of 4 stars). 2 submissions from 2 submitters: Uncertain significance (2). Last evaluated 2023-03-28.

Conditions:
Inborn genetic diseases. Identifiers: MedGen C0950123, MeSH D030342.

Allele frequency attached by ClinVar (database versions not stated): ExAC 0.00001; gnomAD 0.00003; TOPMed 0.00004.
gnomAD v4.1: 21 of 1,613,728 alleles (0.0013%); highest among the groups gnomAD compares: African/African-American, 0.004%; no homozygotes.

Submissions (2):

Labcorp Genetics (formerly Invitae), Labcorp
Classification: Uncertain significance. Last evaluated: 2023-03-28. Review status: criteria provided, single submitter. Criteria: Invitae Variant Classification Sherloc (09022015). Collection method: clinical testing. Allele origin: germline.
Comment: In summary, the available evidence is currently insufficient to determine the role of this variant in disease. Therefore, it has been classified as a Variant of Uncertain Significance. An algorithm developed to predict the effect of missense changes on protein structure and function (PolyPhen-2) suggests that this variant is likely to be tolerated. This variant has not been reported in the literature in individuals affected with KMT2E-related conditions. This variant is present in population databases (rs755109365, gnomAD 0.04%). This sequence change replaces serine, which is neutral and polar, with cysteine, which is neutral and slightly polar, at codon 1724 of the KMT2E protein (p.Ser1724Cys).

Ambry Genetics
Classification: Uncertain significance for Inborn genetic diseases. Last evaluated: 2023-02-23. Review status: criteria provided, single submitter. Criteria: Ambry Variant Classification Scheme 2023. Collection method: clinical testing. Allele origin: germline.

NM_182931.3(KMT2E):c.5171C>G (p.Ser1724Cys)

Gene: KMT2E (lysine methyltransferase 2E (inactive); plus strand). Cytogenetic location: 7q22.3.
Variant type: single nucleotide variant.
Coding change: c.5171C>G on transcript NM_182931.3 (MANE Select); coding-DNA position 5171, C replaced by G.
Protein change: p.Ser1724Cys; replaces serine 1724 with cysteine.
Molecular consequence: missense variant.
Genome position (GRCh38, 1-based): chr7:105,112,927, C>G. VCF-style: chr7-105112927-C-G. GRCh37 (hg19) VCF-style: chr7-104753374-C-G.
Other names: c.5045C>G, p.Ser1682Cys (NM_001410908.1); c.5171C>G, p.Ser1724Cys (NM_018682.4); short protein forms S1724C, S1682C.
Identifiers: ClinVar variation 2488852 (VCV002488852.5), dbSNP rs755109365, ClinGen allele CA4424930.
Genomic context (GRCh38, chr7:105,112,927, plus strand): 5'-AAGCACAACACCAGCATGTTGTAAATTCAGCACCCCCACCACCCCCTCCGCCGCCACCTT[C>G]CAGTGTTTTGGCTTCTGGGCATCATACCACATCAGCTCAAGCCTTACACCACCCACCTCA-3'
Protein context (NP_891847.1, residues 1714-1734): APPPPPPPPP[Ser1724Cys]SVLASGHHTT